The following is an entry in ClinVar:

ClinVar aggregate classification (germline): Conflicting classifications of pathogenicity. Review status: criteria provided, conflicting classifications (1 of 4 stars). 3 submissions from 3 submitters: Uncertain significance (2); Likely benign (1). Last evaluated 2025-02-22.

Conditions:
Inborn genetic diseases. Identifiers: MedGen C0950123, MeSH D030342.
Pulmonary fibrosis and/or bone marrow failure, Telomere-related, 3. Also called: PULMONARY FIBROSIS AND/OR BONE MARROW FAILURE SYNDROME, TELOMERE-RELATED, 3. Identifiers: Orphanet 2032, MedGen C4225346, MONDO:0014613, OMIM 616373.
Dyskeratosis congenita, autosomal recessive 5 (DKCB5). Identifiers: MedGen C3554656, MONDO:0014076, OMIM 615190.

Allele frequency attached by ClinVar (database versions not stated): gnomAD exomes below 0.00001.
gnomAD v4.1: 1 of 1,611,418 alleles (0.000062%); highest among the groups gnomAD compares: Non-Finnish European, 0.000085%; no homozygotes.

Submissions (3):

Ambry Genetics
Classification: Uncertain significance for Inborn genetic diseases. Last evaluated: 2025-02-22. Review status: criteria provided, single submitter. Criteria: Ambry Variant Classification Scheme 2023. Collection method: clinical testing. Allele origin: germline.
Comment: The p.C1268S variant (also known as c.3803G>C), located in coding exon 33 of the RTEL1 gene, results from a G to C substitution at nucleotide position 3803. The cysteine at codon 1268 is replaced by serine, an amino acid with dissimilar properties. This amino acid position is conserved. In addition, this alteration is predicted to be deleterious by in silico analysis. Based on the available evidence, the clinical significance of this variant remains unclear.

GeneDx
Classification: Uncertain significance. Last evaluated: 2024-06-21. Review status: criteria provided, single submitter. Criteria: GeneDx Variant Classification Process June 2021. Collection method: clinical testing. Allele origin: germline. Affected: yes.
Comment: Not observed at significant frequency in large population cohorts (gnomAD); Has not been previously published as pathogenic or benign to our knowledge; In silico analysis does not support a benign or deleterious effect of this variant on protein structure/function; Reported using an alternate transcript of the gene

Labcorp Genetics (formerly Invitae), Labcorp
Classification: Likely benign for Dyskeratosis congenita, autosomal recessive 5; Pulmonary fibrosis and/or bone marrow failure, Telomere-related, 3. Last evaluated: 2023-06-09. Review status: criteria provided, single submitter. Criteria: Invitae Variant Classification Sherloc (09022015). Collection method: clinical testing. Allele origin: germline.

NM_001283009.2(RTEL1):c.3803G>C (p.Cys1268Ser)

Genes: RTEL1 (regulator of telomere elongation helicase 1; plus strand), RTEL1-TNFRSF6B (RTEL1-TNFRSF6B readthrough (NMD candidate); plus strand). Cytogenetic location: 20q13.33.
Variant type: single nucleotide variant.
Coding change: c.3803G>C on transcript NM_001283009.2 (MANE Select); coding-DNA position 3803, G replaced by C.
Protein change: p.Cys1268Ser; replaces cysteine 1268 with serine.
Molecular consequence: missense variant. On other transcripts: non-coding transcript variant (1), intron variant (3).
Genome position (GRCh38, 1-based): chr20:63,695,631, G>C. VCF-style: chr20-63695631-G-C. GRCh37 (hg19) VCF-style: chr20-62326984-G-C.
Other names: c.2984-147G>C (NM_001283010.1); c.3725-147G>C (NM_032957.5); c.3653-147G>C (NM_016434.4); short protein forms C1268S.
Identifiers: ClinVar variation 731684 (VCV000731684.10), dbSNP rs1601200861, ClinGen allele CA409710337.
Genomic context (GRCh38, chr20:63,695,631, plus strand): 5'-GGGCAGAGGACGTGGTGCCCTTCCAGTGCCCTGCCTGTGACTTCCAGCGCTGCCAAGCCT[G>C]CTGGCAACGGCACCTTCAGGTTGGTGCCTGGCCACTACAGTTCCTGCTGGGTGTAGCCCC-3'
Protein context (NP_001269938.1, residues 1258-1278): PACDFQRCQA[Cys1268Ser]WQRHLQASRM